The following is an entry in ClinVar:

ClinVar aggregate classification (germline): Pathogenic. Review status: criteria provided, single submitter (1 of 4 stars). 2 submissions from 2 submitters: Pathogenic (1). 1 of the submissions does not count toward it. Last evaluated 2026-07-31.

Conditions:
Intellectual developmental disorder, X-linked 72. Also called: Intellectual disability, X-linked 72. Identifiers: Orphanet 777, MedGen C1846038, MONDO:0010289, OMIM 300271.

Submissions (2):

GeneDx
Classification: Pathogenic. Last evaluated: 2026-07-31. Review status: criteria provided, single submitter. Criteria: GeneDx Variant Classification Process June 2021. Collection method: clinical testing. Allele origin: germline.
Comment: Not observed at significant frequency in large population cohorts (gnomAD); Frameshift variant predicted to result in abnormal protein length as the last 167 amino acid(s) are replaced with 43 different amino acid(s), and other similar variants have been reported in HGMD; This variant is associated with the following publications: (PMID: 28851564, 37750340, 42247186, 38958063, 24077912)

Diagnostics Centre, Carl Von Ossietzky University Oldenburg
Classification: Pathogenic for Intellectual developmental disorder, X-linked 72. Last evaluated: 2024-08-16. Review status: no assertion criteria provided. Collection method: clinical testing. Allele origin: germline. Affected: yes. Observed: 1 variant allele. Not counted in ClinVar's aggregate classification.
Comment: The variant results in a frameshift at protein position 47 and the formation of a premature stop codon after 44 amino acids. The variant affects an exon [1/2] present in biologically relevant transcript and is predicted to cause protein truncation/absent due to nonsense mediated decay in a gene where loss-of-function is a known mechanism of disease. The variant has been detected in unrelated individuals affected with X-linked early-onset Parkinsonism and Intellectual Disability (PMID: 28851564). This variant has been classified one entry in ClinVar as likely pathogenic (Clinvar ID: 1691598). This variant is classified as very rare since it is absent in gnomAD v4.1.0. In summary, the variant is classified as pathogenic.

Literature cited by the submitters: PubMed 28851564 (cited by Diagnostics Centre, Carl Von Ossietzky University Oldenburg).

NM_171998.4(RAB39B):c.137dup (p.Ser47fs)

Gene: RAB39B (RAB39B, member RAS oncogene family; minus strand). Cytogenetic location: Xq28.
Variant type: Duplication.
Coding change: c.137dup on transcript NM_171998.4 (MANE Select); coding-DNA position 137, one base duplicated (T; older notation c.137dupT).
Protein change: p.Ser47fs; shifts the reading frame from serine 47.
Molecular consequence: frameshift variant.
Genome position (GRCh38, 1-based): chrX:155,264,152, A duplicated on the plus strand (T on the coding strand, the reverse complement: RAB39B is on the minus strand); the first of 6 consecutive A bases (chrX:155,264,152-155,264,157); duplicating any one gives the same sequence. VCF-style (leftmost placement, unchanged base first): chrX-155264151-G-GA. GRCh37 (hg19) VCF-style: chrX-154493436-G-GA.
Other names: c.137dupT (NM_171998.4); short protein forms S47fs.
Identifiers: ClinVar variation 1691598 (VCV001691598.6), dbSNP rs2124130091, ClinGen allele CA658795323.